The following is an entry in ClinVar:

NM_004991.4(MECOM):c.2693C>G (p.Ser898Cys)

Gene: MECOM (MDS1 and EVI1 complex locus; minus strand). Cytogenetic location: 3q26.2.
Variant type: single nucleotide variant.
Coding change: c.2693C>G on transcript NM_004991.4 (MANE Select); coding-DNA position 2693, C replaced by G.
Protein change: p.Ser898Cys; replaces serine 898 with cysteine.
Molecular consequence: missense variant.
Genome position (GRCh38, 1-based): chr3:169,102,138, G>C on the plus strand (C>G on the coding strand, the complement: MECOM is on the minus strand). VCF-style: chr3-169102138-G-C. GRCh37 (hg19) VCF-style: chr3-168819926-G-C.
Other names: c.2324C>G, p.Ser775Cys (NM_001105077.4); c.2129C>G, p.Ser710Cys (NM_001105078.4, NM_001205194.2, NM_001366469.2 and 1 more transcripts); c.2105C>G, p.Ser702Cys (NM_001163999.2, NM_001366470.2); c.2102C>G, p.Ser701Cys (NM_001164000.2, NM_001366471.2, NM_001366472.2); c.2666C>G, p.Ser889Cys (NM_001366466.2); c.2132C>G, p.Ser711Cys (NM_001366467.2, NM_001366468.2); c.1694C>G, p.Ser565Cys (NM_001366473.2); c.1130C>G, p.Ser377Cys (NM_001366474.2); short protein forms S565C, S710C, S889C, S377C, S711C, S775C, S898C, S701C.
Identifiers: ClinVar variation 3394309 (VCV003394309.1).

ClinVar aggregate classification (germline): Uncertain significance (1 of 4 stars; one submission).

Conditions:
Inborn genetic diseases. Identifiers: MedGen C0950123, MeSH D030342.

Submission:

Ambry Genetics
Classification: Uncertain significance for Inborn genetic diseases. Last evaluated: 2024-11-25. Review status: criteria provided, single submitter. Criteria: Ambry Variant Classification Scheme 2023. Collection method: clinical testing. Allele origin: germline.
Comment: The p.S898C variant (also known as c.2693C>G), located in coding exon 11 of the MECOM gene, results from a C to G substitution at nucleotide position 2693. The serine at codon 898 is replaced by cysteine, an amino acid with dissimilar properties. This amino acid position is conserved. In addition, this alteration is predicted to be tolerated by in silico analysis. Based on the available evidence, the clinical significance of this variant remains unclear.